The following is an entry in ClinVar:

NM_002979.5(SCP2):c.454G>A (p.Gly152Arg)

Gene: SCP2 (sterol carrier protein 2; plus strand). Cytogenetic location: 1p32.3.
Variant type: single nucleotide variant.
Coding change: c.454G>A on transcript NM_002979.5 (MANE Select); coding-DNA position 454, G replaced by A.
Protein change: p.Gly152Arg; replaces glycine 152 with arginine.
Molecular consequence: missense variant.
Genome position (GRCh38, 1-based): chr1:52,961,560, G>A. VCF-style: chr1-52961560-G-A. GRCh37 (hg19) VCF-style: chr1-53427232-G-A.
Other names: c.322G>A, p.Gly108Arg (NM_001007098.3, NM_001193600.2); c.382G>A, p.Gly128Arg (NM_001193599.2); c.211G>A, p.Gly71Arg (NM_001193617.2); c.454G>A, p.Gly152Arg (NM_001330587.2); c.454G>A (NM_002979.4); short protein forms G128R, G152R, G108R, G71R.
Identifiers: ClinVar variation 2179576 (VCV002179576.3), dbSNP rs377683847, ClinGen allele CA857120.

ClinVar aggregate classification (germline): Uncertain significance. Review status: criteria provided, multiple submitters, no conflicts (2 of 4 stars). 2 submissions from 2 submitters: Uncertain significance (2). Last evaluated 2025-02-09.

Allele frequency attached by ClinVar (database versions not stated): gnomAD exomes 0.00001; ExAC 0.00002; gnomAD 0.00004; TOPMed 0.00004; ESP Exome Variant Server 0.00008.
gnomAD v4.1: 26 of 1,613,564 alleles (0.0016%); highest among the groups gnomAD compares: African/African-American, 0.011%; no homozygotes.

Submissions (2):

Ambry Genetics
Classification: Uncertain significance. Last evaluated: 2025-02-09. Review status: criteria provided, single submitter. Criteria: Ambry Variant Classification Scheme 2023. Collection method: clinical testing. Allele origin: germline.

Labcorp Genetics (formerly Invitae), Labcorp
Classification: Uncertain significance. Last evaluated: 2022-03-04. Review status: criteria provided, single submitter. Criteria: Invitae Variant Classification Sherloc (09022015). Collection method: clinical testing. Allele origin: germline.
Comment: In summary, the available evidence is currently insufficient to determine the role of this variant in disease. Therefore, it has been classified as a Variant of Uncertain Significance. Algorithms developed to predict the effect of missense changes on protein structure and function are either unavailable or do not agree on the potential impact of this missense change (SIFT: "Deleterious"; PolyPhen-2: "Possibly Damaging"; Align-GVGD: "Class C0"). This variant has not been reported in the literature in individuals affected with SCP2-related conditions. This variant is present in population databases (rs377683847, gnomAD 0.02%). This sequence change replaces glycine, which is neutral and non-polar, with arginine, which is basic and polar, at codon 152 of the SCP2 protein (p.Gly152Arg).